The following is an entry in ClinVar:

NM_015047.3(EMC1):c.1703CCT[1] (p.Ser569del)

Genes: EMC1 (ER membrane protein complex subunit 1; minus strand), EMC1-AS1 (EMC1 antisense RNA 1; plus strand). Cytogenetic location: 1p36.13.
Variant type: Microsatellite.
Coding change: c.1703CCT[1] on transcript NM_015047.3 (MANE Select); one copy of the 3-base unit CCT starting at c.1703; the reference has two copies in a row; one copy, 3 bases deleted; also written c.1706_1708del.
Protein change: p.Ser569del; deletes serine 569.
Molecular consequence: inframe deletion.
Genome position (GRCh38, 1-based): chr1:19,232,698-19,232,700, AGG deleted on the plus strand (CCT on the coding strand, the reverse complement: EMC1 is on the minus strand); deleting any 3 consecutive bases within chr1:19,232,698-19,232,705 gives the same sequence; the position shown is the placement nearest the transcript's 3' end. VCF-style (leftmost placement, unchanged base first): chr1-19232697-AAGG-A. GRCh37 (hg19) VCF-style: chr1-19559191-AAGG-A.
Other names: c.1700CCT[1], p.Ser568del (NM_001271427.2, NM_001271428.2); c.1637CCT[1], p.Ser547del (NM_001271429.2); c.1712CCT[1], p.Ser572del (NM_001375820.1); c.1709CCT[1], p.Ser571del (NM_001375821.1); c.1706_1708delCCT (NM_015047.3); c.1706_1708del (NM_015047.2); short protein forms S547del, S568del, S571del, S569del, S572del.
Identifiers: ClinVar variation 1364963 (VCV001364963.8), dbSNP rs1372501893, ClinGen allele CA645512689.

ClinVar aggregate classification (germline): Uncertain significance. Review status: criteria provided, multiple submitters, no conflicts (2 of 4 stars). 3 submissions from 3 submitters: Uncertain significance (3). Last evaluated 2023-12-06.

Conditions:
Retinal dystrophy. Also called: Inherited retinal dystrophy. Identifiers: Orphanet 71862, MedGen C0854723, MeSH D058499, MONDO:0019118, HP:0000556.

Submissions (3):

GeneDx
Classification: Uncertain significance. Last evaluated: 2023-12-06. Review status: criteria provided, single submitter. Criteria: GeneDx Variant Classification Process June 2021. Collection method: clinical testing. Allele origin: germline. Affected: yes.
Comment: Not observed at significant frequency in large population cohorts (gnomAD); In-frame deletion of 1 amino acid in a non-repeat region; In silico analysis supports a deleterious effect on protein structure/function; Has not been previously published as pathogenic or benign to our knowledge

Dept Of Ophthalmology, Nagoya University
Classification: Uncertain significance for Retinal dystrophy. Last evaluated: 2023-10-01. Review status: criteria provided, single submitter. Criteria: Submitter's publication. Collection method: research. Allele origin: germline. Affected: yes.

Labcorp Genetics (formerly Invitae), Labcorp
Classification: Uncertain significance. Last evaluated: 2022-11-01. Review status: criteria provided, single submitter. Criteria: Invitae Variant Classification Sherloc (09022015). Collection method: clinical testing. Allele origin: germline.
Comment: This variant has not been reported in the literature in individuals affected with EMC1-related conditions. This variant is not present in population databases (gnomAD no frequency). This variant, c.1706_1708del, results in the deletion of 1 amino acid(s) of the EMC1 protein (p.Ser569del), but otherwise preserves the integrity of the reading frame. Experimental studies and prediction algorithms are not available or were not evaluated, and the functional significance of this variant is currently unknown. In summary, the available evidence is currently insufficient to determine the role of this variant in disease. Therefore, it has been classified as a Variant of Uncertain Significance.